The following is an entry in ClinVar:

ClinVar aggregate classification (germline): Uncertain significance. Review status: criteria provided, multiple submitters, no conflicts (2 of 4 stars). 2 submissions from 2 submitters: Uncertain significance (2). Last evaluated 2025-11-17.

Conditions:
Alagille syndrome due to a NOTCH2 point mutation. Also called: Alagille syndrome 2. Identifiers: Orphanet 261629, Orphanet 52, MedGen C1857761, MONDO:0012439, OMIM 610205.
Hajdu-Cheney syndrome (HJCYS). Also called: SERPENTINE FIBULA-POLYCYSTIC KIDNEY SYNDROME; Acroosteolysis dominant type; ACROOSTEOLYSIS WITH OSTEOPOROSIS AND CHANGES IN SKULL AND MANDIBLE. Identifiers: Orphanet 955, MedGen C0917715, MONDO:0007057, OMIM 102500.

Allele frequency attached by ClinVar (database versions not stated): gnomAD 0.00004 and 0.00005; gnomAD exomes 0.00005 and 0.00007; ExAC 0.00006; ESP Exome Variant Server 0.00008; TOPMed 0.00008; 1000 Genomes Project 30x 0.00031.
gnomAD v4.1: 83 of 1,614,178 alleles (0.0051%); highest among the groups gnomAD compares: Admixed American, 0.0083%; no homozygotes.

Submissions (2):

Labcorp Genetics (formerly Invitae), Labcorp
Classification: Uncertain significance for Hajdu-Cheney syndrome. Last evaluated: 2025-11-17. Review status: criteria provided, single submitter. Criteria: Invitae Variant Classification Sherloc (09022015). Collection method: clinical testing. Allele origin: germline.
Comment: This sequence change replaces arginine, which is basic and polar, with tryptophan, which is neutral and slightly polar, at codon 2105 of the NOTCH2 protein (p.Arg2105Trp). This variant is present in population databases (rs372538600, gnomAD 0.02%). This variant has not been reported in the literature in individuals affected with NOTCH2-related conditions. ClinVar contains an entry for this variant (Variation ID: 1044085). Invitae Evidence Modeling of protein sequence and biophysical properties (such as structural, functional, and spatial information, amino acid conservation, physicochemical variation, residue mobility, and thermodynamic stability) indicates that this missense variant is not expected to disrupt NOTCH2 protein function with a negative predictive value of 80%. In summary, the available evidence is currently insufficient to determine the role of this variant in disease. Therefore, it has been classified as a Variant of Uncertain Significance.

Fulgent Genetics
Classification: Uncertain significance for Hajdu-Cheney syndrome; Alagille syndrome due to a NOTCH2 point mutation. Last evaluated: 2022-02-04. Review status: criteria provided, single submitter. Criteria: ACMG Guidelines, 2015. Collection method: clinical testing. Allele origin: unknown.

NM_024408.4(NOTCH2):c.6313C>T (p.Arg2105Trp)

Gene: NOTCH2 (notch receptor 2; minus strand). Cytogenetic location: 1p12.
Variant type: single nucleotide variant.
Coding change: c.6313C>T on transcript NM_024408.4 (MANE Select); coding-DNA position 6313, C replaced by T.
Protein change: p.Arg2105Trp; replaces arginine 2105 with tryptophan.
Molecular consequence: missense variant.
Genome position (GRCh38, 1-based): chr1:119,916,409, G>A on the plus strand (C>T on the coding strand, the complement: NOTCH2 is on the minus strand). VCF-style: chr1-119916409-G-A. GRCh37 (hg19) VCF-style: chr1-120459032-G-A.
Other names: short protein forms R2105W.
Identifiers: ClinVar variation 1044085 (VCV001044085.10), dbSNP rs372538600, ClinGen allele CA1039446.